The following is an entry in ClinVar:

ClinVar aggregate classification (germline): Likely benign (0 of 4 stars; one submission).

Conditions:
CLCN3-related disorder. Also called: CLCN3-related condition.

Submission:

PreventionGenetics, part of Exact Sciences
Classification: Likely benign for CLCN3-related condition. Last evaluated: 2024-02-28. Review status: no assertion criteria provided. Collection method: clinical testing. Allele origin: germline.
Comment: This variant is classified as likely benign based on ACMG/AMP sequence variant interpretation guidelines (Richards et al. 2015 PMID: 25741868, with internal and published modifications).

NM_001829.4(CLCN3):c.2343G>A (p.Arg781=)

Gene: CLCN3 (chloride voltage-gated channel 3; plus strand). Cytogenetic location: 4q33.
Variant type: single nucleotide variant.
Coding change: c.2343G>A on transcript NM_001829.4 (MANE Select); coding-DNA position 2343, G replaced by A.
Protein change: p.Arg781=; no amino-acid change (arginine 781 retained).
Molecular consequence: synonymous variant.
Genome position (GRCh38, 1-based): chr4:169,713,272, G>A. VCF-style: chr4-169713272-G-A. GRCh37 (hg19) VCF-style: chr4-170634423-G-A.
Other names: c.2262G>A, p.Arg754= (NM_001243372.2, NM_001243374.2); c.2343G>A, p.Arg781= (NM_173872.4).
Identifiers: ClinVar variation 3061165 (VCV003061165.2), dbSNP rs2477159329, ClinGen allele CA442298589.